The following is an entry in ClinVar:

NM_001377.3(DYNC2H1):c.7841G>T (p.Gly2614Val)

Gene: DYNC2H1 (dynein cytoplasmic 2 heavy chain 1; plus strand). Cytogenetic location: 11q22.3.
Variant type: single nucleotide variant.
Coding change: c.7841G>T on transcript NM_001377.3 (MANE Select); coding-DNA position 7841, G replaced by T.
Protein change: p.Gly2614Val; replaces glycine 2614 with valine.
Molecular consequence: missense variant.
Genome position (GRCh38, 1-based): chr11:103,199,229, G>T. VCF-style: chr11-103199229-G-T. GRCh37 (hg19) VCF-style: chr11-103069958-G-T.
Other names: c.7841G>T, p.Gly2614Val (NM_001080463.2); short protein forms G2614V.
Identifiers: ClinVar variation 3775687 (VCV003775687.1).

ClinVar aggregate classification (germline): Uncertain significance (1 of 4 stars; one submission).

Conditions:
Asphyxiating thoracic dystrophy 3. Also called: SHORT-RIB THORACIC DYSPLASIA 3 WITH OR WITHOUT POLYDACTYLY; POLYDACTYLY WITH NEONATAL CHONDRODYSTROPHY, TYPE I; SHORT-RIB THORACIC DYSPLASIA 3/6 WITH POLYDACTYLY, DIGENIC; Short rib polydactyly syndrome 2B; Saldino-Noonan Syndrome. Identifiers: Orphanet 474, Orphanet 93269, Orphanet 93270, Orphanet 93271, MedGen C0036069, MONDO:0013127, OMIM 613091.

Submission:

3billion
Classification: Uncertain significance for Asphyxiating thoracic dystrophy 3. Last evaluated: 2023-06-30. Review status: criteria provided, single submitter. Criteria: ACMG Guidelines, 2015. Collection method: clinical testing. Allele origin: germline. Affected: yes.
Comment: The variant is not observed in the gnomAD v2.1.1 dataset. Predicted Consequence/Location: Missense variant Therefore, this variant is classified as VUS according to the recommendation of ACMG/AMP guideline.